The following is an entry in ClinVar:

NM_005045.4(RELN):c.877G>A (p.Asp293Asn)

Gene: RELN (reelin; minus strand). Cytogenetic location: 7q22.1.
Variant type: single nucleotide variant.
Coding change: c.877G>A on transcript NM_005045.4 (MANE Select); coding-DNA position 877, G replaced by A.
Protein change: p.Asp293Asn; replaces aspartic acid 293 with asparagine.
Molecular consequence: missense variant.
Genome position (GRCh38, 1-based): chr7:103,700,935, C>T on the plus strand (G>A on the coding strand, the complement: RELN is on the minus strand). VCF-style: chr7-103700935-C-T. GRCh37 (hg19) VCF-style: chr7-103341382-C-T.
Other names: c.877G>A, p.Asp293Asn (NM_173054.3); short protein forms D293N.
Identifiers: ClinVar variation 393143 (VCV000393143.65), dbSNP rs200289289, ClinGen allele CA4422424.

ClinVar aggregate classification (germline): Conflicting classifications of pathogenicity. Review status: criteria provided, conflicting classifications (1 of 4 stars). 10 submissions from 10 submitters: Uncertain significance (4); Likely benign (3). 3 of the submissions do not count toward it. Last evaluated 2025-11-06.

Conditions:
Norman-Roberts syndrome (LIS2). Also called: Lissencephaly 2 (Norman-Roberts type). Identifiers: Orphanet 89844, MedGen C0796089, MONDO:0009760, OMIM 257320.
RELN-related disorder. Also called: RELN-related condition.
Familial temporal lobe epilepsy 7. Identifiers: Orphanet 101046, MedGen C4225327, MONDO:0014639, OMIM 616436.
Inborn genetic diseases. Identifiers: MedGen C0950123, MeSH D030342.

Allele frequency attached by ClinVar (database versions not stated): ESP Exome Variant Server 0.00015; gnomAD exomes 0.00024 and 0.00045; ExAC 0.00031; gnomAD 0.00032 and 0.00033; TOPMed 0.00034.

Submissions (10):

Labcorp Genetics (formerly Invitae), Labcorp
Classification: Likely benign for Familial temporal lobe epilepsy 7; Norman-Roberts syndrome. Last evaluated: 2025-11-06. Review status: criteria provided, single submitter. Criteria: Invitae Variant Classification Sherloc (09022015). Collection method: clinical testing. Allele origin: germline.

CeGaT Center for Human Genetics Tuebingen
Classification: Likely benign. Last evaluated: 2025-07-01. Review status: criteria provided, single submitter. Criteria: CeGaT Center For Human Genetics Tuebingen Variant Classification Criteria Version 2. Collection method: clinical testing. Allele origin: germline. Affected: yes. Observed: 3 variant alleles.
Comment: RELN: BS1

Blueprint Genetics
Classification: Uncertain significance. Last evaluated: 2024-11-25. Review status: criteria provided, single submitter. Criteria: ACMG Guidelines, 2015. Collection method: clinical testing. Allele origin: germline.

Ambry Genetics
Classification: Uncertain significance for Inborn genetic diseases. Last evaluated: 2021-07-20. Review status: criteria provided, single submitter. Criteria: Ambry Variant Classification Scheme 2023. Collection method: clinical testing. Allele origin: germline.
Comment: Unlikely to be causative of RELN-related lateral temporal epilepsy (AD) Based on insufficient or conflicting evidence, the clinical significance of this alteration remains unclear.

GeneDx
Classification: Likely benign. Last evaluated: 2018-06-26. Review status: criteria provided, single submitter. Criteria: GeneDx Variant Classification Process June 2021. Collection method: clinical testing. Allele origin: germline. Affected: yes.

Illumina Laboratory Services, Illumina
Classification: Uncertain significance for Norman-Roberts syndrome. Last evaluated: 2017-04-27. Review status: criteria provided, single submitter. Criteria: ICSL Variant Classification Criteria 13 December 2019. Collection method: clinical testing. Allele origin: germline.

Genetic Services Laboratory, University of Chicago
Classification: Uncertain significance. Last evaluated: 2015-08-25. Review status: criteria provided, single submitter. Criteria: ACMG Guidelines, 2015. Collection method: clinical testing. Allele origin: germline. Affected: no.

PreventionGenetics, part of Exact Sciences
Classification: Likely benign for RELN-related condition. Last evaluated: 2022-03-01. Review status: no assertion criteria provided. Collection method: clinical testing. Allele origin: germline. Not counted in ClinVar's aggregate classification.
Comment: This variant is classified as likely benign based on ACMG/AMP sequence variant interpretation guidelines (Richards et al. 2015 PMID: 25741868, with internal and published modifications).

Clinical Genetics DNA and cytogenetics Diagnostics Lab, Erasmus MC, Erasmus Medical Center
Classification: Uncertain significance. Review status: no assertion criteria provided. Collection method: clinical testing. Allele origin: germline. Affected: yes. Study: VKGL Data-share Consensus. Not counted in ClinVar's aggregate classification.

Diagnostic Laboratory, Department of Genetics, University Medical Center Groningen
Classification: Uncertain significance. Review status: no assertion criteria provided. Collection method: clinical testing. Allele origin: germline. Affected: yes. Study: VKGL Data-share Consensus. Not counted in ClinVar's aggregate classification.